The following is an entry in ClinVar:

ClinVar aggregate classification (germline): Uncertain significance. Review status: criteria provided, multiple submitters, no conflicts (2 of 4 stars). 2 submissions from 2 submitters: Uncertain significance (2). Last evaluated 2025-10-03.

Conditions:
Gastrointestinal stromal tumor. Also called: Gastrointestinal stroma tumor; Gastrointestinal stromal tumor, somatic. Identifiers: Orphanet 44890, MedGen C0238198, MeSH D046152, MONDO:0011719, OMIM 606764, HP:0100723.
Hereditary cancer-predisposing syndrome. Also called: Tumor predisposition; Neoplastic Syndromes, Hereditary; Hereditary Cancer Syndrome; Hereditary neoplastic syndrome. Identifiers: Orphanet 140162, MedGen C0027672, MeSH D009386, MONDO:0015356.

Submissions (2):

Ambry Genetics
Classification: Uncertain significance for Hereditary cancer-predisposing syndrome. Last evaluated: 2025-10-03. Review status: criteria provided, single submitter. Criteria: Ambry Variant Classification Scheme 2023. Collection method: clinical testing. Allele origin: germline.
Comment: The p.G313C variant (also known as c.937G>T), located in coding exon 6 of the PDGFRA gene, results from a G to T substitution at nucleotide position 937. The glycine at codon 313 is replaced by cysteine, an amino acid with highly dissimilar properties. This amino acid position is conserved. In addition, the in silico prediction for this alteration is inconclusive. Based on the available evidence, the clinical significance of this variant remains unclear.

Labcorp Genetics (formerly Invitae), Labcorp
Classification: Uncertain significance for Gastrointestinal stromal tumor. Last evaluated: 2022-09-22. Review status: criteria provided, single submitter. Criteria: Invitae Variant Classification Sherloc (09022015). Collection method: clinical testing. Allele origin: germline.
Comment: This sequence change replaces glycine, which is neutral and non-polar, with cysteine, which is neutral and slightly polar, at codon 313 of the PDGFRA protein (p.Gly313Cys). This variant is not present in population databases (gnomAD no frequency). This variant has not been reported in the literature in individuals affected with PDGFRA-related conditions. Advanced modeling of protein sequence and biophysical properties (such as structural, functional, and spatial information, amino acid conservation, physicochemical variation, residue mobility, and thermodynamic stability) performed at Invitae indicates that this missense variant is not expected to disrupt PDGFRA protein function. In summary, the available evidence is currently insufficient to determine the role of this variant in disease. Therefore, it has been classified as a Variant of Uncertain Significance.

NM_006206.6(PDGFRA):c.937G>T (p.Gly313Cys)

Gene: PDGFRA (platelet derived growth factor receptor alpha; plus strand). Cytogenetic location: 4q12.
Variant type: single nucleotide variant.
Coding change: c.937G>T on transcript NM_006206.6 (MANE Select); coding-DNA position 937, G replaced by T.
Protein change: p.Gly313Cys; replaces glycine 313 with cysteine.
Molecular consequence: missense variant.
Genome position (GRCh38, 1-based): chr4:54,267,557, G>T. VCF-style: chr4-54267557-G-T. GRCh37 (hg19) VCF-style: chr4-55133724-G-T.
Other names: c.937G>T, p.Gly313Cys (NM_001347827.2, NM_001347829.2); c.1012G>T, p.Gly338Cys (NM_001347828.2); c.976G>T, p.Gly326Cys (NM_001347830.2); short protein forms G313C, G326C, G338C.
Identifiers: ClinVar variation 1720056 (VCV001720056.6), dbSNP rs2475455056, ClinGen allele CA356891444.